The following is an entry in ClinVar:

ClinVar aggregate classification (germline): Likely benign (1 of 4 stars; one submission).

Allele frequency attached by ClinVar (database versions not stated): gnomAD exomes below 0.00001; TOPMed below 0.00001; gnomAD 0.00001.
gnomAD v4.1: 3 of 1,613,930 alleles (0.00019%); highest among the groups gnomAD compares: African/African-American, 0.004%; no homozygotes.

Submission:

Laboratory for Molecular Medicine, Mass General Brigham Personalized Medicine
Classification: Likely benign. Last evaluated: 2013-01-29. Review status: criteria provided, single submitter. Criteria: LMM Criteria. Collection method: clinical testing. Allele origin: germline. Observed: 2 variant alleles.
Comment: Leu323Leu in exon 7 of DFNA5: This variant is not expected to have clinical sign ificance because it does not alter an amino acid residue and is not located with in the splice consensus sequence.

NM_001127453.2(GSDME):c.969A>G (p.Leu323=)

Gene: GSDME (gasdermin E; minus strand). Cytogenetic location: 7p15.3.
Variant type: single nucleotide variant.
Coding change: c.969A>G on transcript NM_001127453.2 (MANE Select); coding-DNA position 969, A replaced by G.
Protein change: p.Leu323=; no amino-acid change (leucine 323 retained).
Molecular consequence: synonymous variant.
Genome position (GRCh38, 1-based): chr7:24,708,148, T>C on the plus strand (A>G on the coding strand, the complement: GSDME is on the minus strand). VCF-style: chr7-24708148-T-C. GRCh37 (hg19) VCF-style: chr7-24747767-T-C.
Other names: c.477A>G, p.Leu159= (NM_001127454.2); c.969A>G, p.Leu323= (NM_004403.3).
Identifiers: ClinVar variation 44849 (VCV000044849.4), dbSNP rs397516911, ClinGen allele CA135172.